The following is an entry in ClinVar:

ClinVar aggregate classification (germline): Benign/Likely benign. Review status: criteria provided, multiple submitters, no conflicts (2 of 4 stars). 3 submissions from 3 submitters: Benign (1); Likely benign (2). Last evaluated 2025-02-14.

Conditions:
Hereditary cancer-predisposing syndrome. Also called: Hereditary Cancer Syndrome; Neoplastic Syndromes, Hereditary; Tumor predisposition; Hereditary neoplastic syndrome. Identifiers: Orphanet 140162, MedGen C0027672, MeSH D009386, MONDO:0015356.
Fanconi anemia complementation group O. Also called: RAD51C-Related Fanconi Anemia. Identifiers: Orphanet 84, MedGen C3150653, MONDO:0013248, OMIM 613390.
Breast-ovarian cancer, familial, susceptibility to, 3. Also called: RAD51C-Related Breast/Ovarian Cancer. Identifiers: Orphanet 145, MedGen C3150659, MONDO:0013253, OMIM 613399.

Submissions (3):

Myriad Genetics, Inc.
Classification: Benign for Breast-ovarian cancer, familial, susceptibility to, 3. Last evaluated: 2025-02-14. Review status: criteria provided, single submitter. Criteria: Myriad Autosomal Dominant, Autosomal Recessive and X-Linked Classification Criteria (2023). Collection method: clinical testing. Allele origin: unknown.
Comment: This variant is considered benign. This variant is a silent/synonymous amino acid change and it is not expected to impact splicing.

Labcorp Genetics (formerly Invitae), Labcorp
Classification: Likely benign for Fanconi anemia complementation group O. Last evaluated: 2022-03-01. Review status: criteria provided, single submitter. Criteria: Invitae Variant Classification Sherloc (09022015). Collection method: clinical testing. Allele origin: germline.

Ambry Genetics
Classification: Likely benign for Hereditary cancer-predisposing syndrome. Last evaluated: 2015-03-12. Review status: criteria provided, single submitter. Criteria: Ambry Variant Classification Scheme 2023. Collection method: clinical testing. Allele origin: germline.

NM_058216.3(RAD51C):c.36G>C (p.Arg12=)

Gene: RAD51C (RAD51 paralog C; plus strand). Cytogenetic location: 17q22.
Variant type: single nucleotide variant.
Coding change: c.36G>C on transcript NM_058216.3 (MANE Select); coding-DNA position 36, G replaced by C.
Protein change: p.Arg12=; no amino-acid change (arginine 12 retained).
Molecular consequence: synonymous variant. On other transcripts: non-coding transcript variant (2).
Genome position (GRCh38, 1-based): chr17:58,692,679, G>C. VCF-style: chr17-58692679-G-C. GRCh37 (hg19) VCF-style: chr17-56770040-G-C.
Other names: c.36G>C, p.Arg12= (NM_002876.4).
Identifiers: ClinVar variation 230829 (VCV000230829.11), dbSNP rs876658798, ClinGen allele CA10580719.